The following is an entry in ClinVar:

NM_052876.4(NACC1):c.1390T>A (p.Cys464Ser)

Gene: NACC1 (nucleus accumbens associated 1; plus strand). Cytogenetic location: 19p13.13.
Variant type: single nucleotide variant.
Coding change: c.1390T>A on transcript NM_052876.4 (MANE Select); coding-DNA position 1390, T replaced by A.
Protein change: p.Cys464Ser; replaces cysteine 464 with serine.
Molecular consequence: missense variant.
Genome position (GRCh38, 1-based): chr19:13,138,212, T>A. VCF-style: chr19-13138212-T-A. GRCh37 (hg19) VCF-style: chr19-13249026-T-A.
Other names: short protein forms C464S.
Identifiers: ClinVar variation 2662329 (VCV002662329.1), dbSNP rs2513139502, ClinGen allele CA404330000.

ClinVar aggregate classification (germline): Uncertain significance (1 of 4 stars; one submission).

Submission:

GeneDx
Classification: Uncertain significance. Last evaluated: 2023-05-09. Review status: criteria provided, single submitter. Criteria: GeneDx Variant Classification Process June 2021. Collection method: clinical testing. Allele origin: germline. Affected: yes.
Comment: Not observed at significant frequency in large population cohorts (gnomAD); In silico analysis supports that this missense variant has a deleterious effect on protein structure/function; Has not been previously published as pathogenic or benign to our knowledge